The following is an entry in ClinVar:

NM_000334.4(SCN4A):c.938A>G (p.Tyr313Cys)

Gene: SCN4A (sodium voltage-gated channel alpha subunit 4; minus strand). Cytogenetic location: 17q23.3.
Variant type: single nucleotide variant.
Coding change: c.938A>G on transcript NM_000334.4 (MANE Select); coding-DNA position 938, A replaced by G.
Protein change: p.Tyr313Cys; replaces tyrosine 313 with cysteine.
Molecular consequence: missense variant.
Genome position (GRCh38, 1-based): chr17:63,968,121, T>C on the plus strand (A>G on the coding strand, the complement: SCN4A is on the minus strand). VCF-style: chr17-63968121-T-C. GRCh37 (hg19) VCF-style: chr17-62045481-T-C.
Other names: short protein forms Y313C.
Identifiers: ClinVar variation 2193383 (VCV002193383.4), dbSNP rs1428958459, ClinGen allele CA400637364.

ClinVar aggregate classification (germline): Uncertain significance (1 of 4 stars; one submission).

Conditions:
Hyperkalemic periodic paralysis. Also called: Familial hyperkalemic periodic paralysis; Gamstorp disease. Identifiers: Orphanet 682, MedGen C0238357, MONDO:0008224, OMIM 170500, HP:0007215.

Submission:

Labcorp Genetics (formerly Invitae), Labcorp
Classification: Uncertain significance for Hyperkalemic periodic paralysis. Last evaluated: 2022-03-23. Review status: criteria provided, single submitter. Criteria: Invitae Variant Classification Sherloc (09022015). Collection method: clinical testing. Allele origin: germline.
Comment: This sequence change replaces tyrosine, which is neutral and polar, with cysteine, which is neutral and slightly polar, at codon 313 of the SCN4A protein (p.Tyr313Cys). In summary, the available evidence is currently insufficient to determine the role of this variant in disease. Therefore, it has been classified as a Variant of Uncertain Significance. Algorithms developed to predict the effect of missense changes on protein structure and function are either unavailable or do not agree on the potential impact of this missense change (SIFT: "Deleterious"; PolyPhen-2: "Benign"; Align-GVGD: "Class C0"). This variant has not been reported in the literature in individuals affected with SCN4A-related conditions. This variant is not present in population databases (gnomAD no frequency).